The following is an entry in ClinVar:

NC_012920.1(MT-TM):m.4450G>A

Gene: MT-TM (mitochondrially encoded tRNA methionine; plus strand).
Variant type: single nucleotide variant.
Genome position: chrM-4450-G-A.
Identifiers: ClinVar variation 986440 (VCV000986440.2), dbSNP rs2521954332, ClinGen allele CA913178210.

ClinVar aggregate classification (germline): Likely pathogenic. Review status: reviewed by expert panel (3 of 4 stars). 2 submissions from 2 submitters: Likely pathogenic (1). 1 of the submissions does not count toward it. Last evaluated 2023-02-27.

Conditions:
Mitochondrial disease. Also called: Mitochondrial disorder; Mitochondrial disorders. Identifiers: Orphanet 68380, MedGen C0751651, MeSH D028361, MONDO:0044970.
Primary Mitochondrial Disorders. Identifiers: MedGen CN381104.

Submissions (2):

ClinGen Mitochondrial Disease Nuclear and Mitochondrial  Variant Curation Expert Panel, ClinGen
Classification: Likely pathogenic for Mitochondrial disease. Last evaluated: 2023-02-27. Review status: reviewed by expert panel. Criteria: McCormick et al. (Hum Mutat. 2020). Collection method: curation. Allele origin: germline. Inheritance: Mitochondrial inheritance.
Comment: The m.4450G>A variant in MT-TM has been reported in two unrelated individuals with primary mitochondrial disease (PS4_supporting). Muscle biopsy revealed COX-negative fibers and a combined respiratory chain enzyme deficiency. The variant was present at 67% in muscle, 10% in fibroblasts, and was undetectable in blood and buccal samples (PMID: 25468263). Fibroblasts in this individual showed reduced oxygen consumption and reduced activities of respiratory chain complexes I and IV (PMID: 30739820). There are no other large families reported in the medical literature to consider for evidence of segregation. The computational predictor MitoTIP suggests this variant is pathogenic (83.7 percentile) and HmtVAR predicts it to be pathogenic score of 1 (PP3). This variant is absent in the GenBank dataset, Helix dataset, and gnomAD v3.1.2 (PM2_supporting). Single fiber testing showed high heteroplasmy levels in ragged blue fibers (94% ± 5.4%) and variant was not detected in normal appearing fibers (PMID: 25468263, PS3_supporting). In summary, this variant meets criteria to be classified as likely pathogenic for primary mitochondrial disease inherited in a mitochondrial manner. This classification was approved by the NICHD/NINDS U24 ClinGen Mitochondrial Disease Variant Curation Expert Panel on February 27, 2023. Mitochondrial DNA-specific ACMG/AMP criteria applied (PMID: 32906214): PS4_supporting, PS2_moderate, PM2_supporting, PP3, PS3_supporting.

Variantyx, Inc.
Classification: Likely pathogenic for Primary mitochondrial disorders. Last evaluated: 2025-11-10. Review status: criteria provided, single submitter. Criteria: Variantyx Assertion Criteria 2022. Collection method: clinical testing. Allele origin: germline. Not counted in ClinVar's aggregate classification.
Comment: The m.4450G>A change is a variant in the MT-TM gene which encodes the mitochondrial transfer RNA for methionine. Pathogenic variants in this gene have been associated with primary mitochondrial disorders. This variant has been reported in multiple unrelated affected individual(s) (PMID: 30739820, 9384601,11335700, 9452079, 25468263) (PS4_Moderate). Functional studies support a deleterious effect for this variant (PMID:¬†25468263) (PS3) and computational algorithms support a deleterious effect on the gene or gene product (PP3). This variant is absent from control populations (PM2). Other reputable laboratories have reported this variant as pathogenic or likely pathogenic, and this classification has been validated by an expert panel in ClinVar (PP5). Based on the current evidence, this variant is classified as likely pathogenic for primary mitochondrial disorders.